The following is an entry in ClinVar:

ClinVar aggregate classification (germline): Conflicting classifications of pathogenicity. Review status: criteria provided, conflicting classifications (1 of 4 stars). 2 submissions from 2 submitters: Uncertain significance (1); Likely benign (1). Last evaluated 2025-12-23.

Conditions:
Focal segmental glomerulosclerosis 5 (FSGS5). Identifiers: Orphanet 656, MedGen C2750475, MONDO:0013191, OMIM 613237.
Charcot-Marie-Tooth disease dominant intermediate E. Also called: CHARCOT-MARIE-TOOTH NEUROPATHY WITH FOCAL SEGMENTAL GLOMERULONEPHRITIS. Identifiers: Orphanet 93114, MedGen C4302667, MONDO:0013758, OMIM 614455.

Allele frequency attached by ClinVar (database versions not stated): ExAC 0.00001; gnomAD 0.00003 and 0.00004; TOPMed 0.00006; ESP Exome Variant Server 0.00008.
gnomAD v4.1: 21 of 1,599,920 alleles (0.0013%); highest among the groups gnomAD compares: African/African-American, 0.013%; no homozygotes.

Submissions (2):

Labcorp Genetics (formerly Invitae), Labcorp
Classification: Likely benign for Charcot-Marie-Tooth disease dominant intermediate E; Focal segmental glomerulosclerosis 5. Last evaluated: 2025-12-23. Review status: criteria provided, single submitter. Criteria: Invitae Variant Classification Sherloc (09022015). Collection method: clinical testing. Allele origin: germline.

GeneDx
Classification: Uncertain significance. Last evaluated: 2023-07-20. Review status: criteria provided, single submitter. Criteria: GeneDx Variant Classification Process June 2021. Collection method: clinical testing. Allele origin: germline. Affected: yes.
Comment: In silico analysis supports that this missense variant has a deleterious effect on protein structure/function; Has not been previously published as pathogenic or benign to our knowledge

NM_022489.4(INF2):c.3611C>T (p.Ser1204Leu)

Gene: INF2 (inverted formin 2; plus strand). Cytogenetic location: 14q32.33.
Variant type: single nucleotide variant.
Coding change: c.3611C>T on transcript NM_022489.4 (MANE Select); coding-DNA position 3611, C replaced by T.
Protein change: p.Ser1204Leu; replaces serine 1204 with leucine.
Molecular consequence: missense variant.
Genome position (GRCh38, 1-based): chr14:104,714,773, C>T. VCF-style: chr14-104714773-C-T. GRCh37 (hg19) VCF-style: chr14-105181110-C-T.
Other names: c.3611C>T, p.Ser1204Leu (NM_001031714.4); short protein forms S1204L.
Identifiers: ClinVar variation 1312229 (VCV001312229.7), dbSNP rs376222605, ClinGen allele CA7373321.